The following is an entry in ClinVar:

NM_002693.3(POLG):c.315G>T (p.Glu105Asp)

Genes: POLG (DNA polymerase gamma, catalytic subunit; minus strand), POLGARF (POLG alternative reading frame; minus strand). Cytogenetic location: 15q26.1.
Variant type: single nucleotide variant.
Coding change: c.315G>T on transcript NM_002693.3 (MANE Select); coding-DNA position 315, G replaced by T.
Protein change: p.Glu105Asp; replaces glutamic acid 105 with aspartic acid.
Molecular consequence: missense variant.
Genome position (GRCh38, 1-based): chr15:89,333,440, C>A on the plus strand (G>T on the coding strand, the complement: POLG is on the minus strand). VCF-style: chr15-89333440-C-A. GRCh37 (hg19) VCF-style: chr15-89876671-C-A.
Other names: c.370G>T, p.Ala124Ser (NM_001430120.1); c.315G>T, p.Glu105Asp (NM_001126131.2); short protein forms E105D, A124S.
Identifiers: ClinVar variation 3636657 (VCV003636657.2).
Genomic context (GRCh38, chr15:89,333,440, plus strand): 5'-CAGCTCCACGTCGGGCAAGGGCACGGCTGGCTGCCCCCAGAGCCCGTGCTTCTGCAGGTG[C>A]TCGACGCTGCGGCGCACCGCGGCCTCGCCAGGCATCTCCCCTCCTTGCCCGAAGATTTGC-3'
Protein context (NP_002684.1, residues 95-115): PGEAAVRRSV[Glu105Asp]HLQKHGLWGQ

ClinVar aggregate classification (germline): Uncertain significance (1 of 4 stars; one submission).

Conditions:
Progressive sclerosing poliodystrophy (MTDPS4A). Also called: ALPERS PROGRESSIVE INFANTILE POLIODYSTROPHY; NEURONAL DEGENERATION OF CHILDHOOD WITH LIVER DISEASE, PROGRESSIVE; Alpers Syndrome; ALPERS DIFFUSE DEGENERATION OF CEREBRAL GRAY MATTER WITH HEPATIC CIRRHOSIS; Alpers-Huttenlocher Syndrome; Mitochondrial DNA depletion syndrome 4A (Alpers type). Identifiers: Orphanet 726, MedGen C0205710, MONDO:0008758, OMIM 203700.

Submission:

Labcorp Genetics (formerly Invitae), Labcorp
Classification: Uncertain significance for Progressive sclerosing poliodystrophy. Last evaluated: 2024-02-05. Review status: criteria provided, single submitter. Criteria: Invitae Variant Classification Sherloc (09022015). Collection method: clinical testing. Allele origin: germline.
Comment: This sequence change replaces glutamic acid, which is acidic and polar, with aspartic acid, which is acidic and polar, at codon 105 of the POLG protein (p.Glu105Asp). This variant is not present in population databases (gnomAD no frequency). This variant has not been reported in the literature in individuals affected with POLG-related conditions. Advanced modeling of protein sequence and biophysical properties (such as structural, functional, and spatial information, amino acid conservation, physicochemical variation, residue mobility, and thermodynamic stability) performed at Invitae indicates that this missense variant is not expected to disrupt POLG protein function with a negative predictive value of 95%. In summary, the available evidence is currently insufficient to determine the role of this variant in disease. Therefore, it has been classified as a Variant of Uncertain Significance.